The following is an entry in ClinVar:

ClinVar aggregate classification (germline): Uncertain significance (1 of 4 stars; one submission).

Conditions:
Inborn genetic diseases. Identifiers: MedGen C0950123, MeSH D030342.

Allele frequency attached by ClinVar (database versions not stated): ExAC 0.00001; gnomAD 0.00001; gnomAD exomes 0.00001; TOPMed 0.00001; ESP Exome Variant Server 0.00008.
gnomAD v4.1: 7 of 1,612,450 alleles (0.00043%); highest among the groups gnomAD compares: Non-Finnish European, 0.00059%; no homozygotes.

Submission:

Ambry Genetics
Classification: Uncertain significance for Inborn genetic diseases. Last evaluated: 2022-01-28. Review status: criteria provided, single submitter. Criteria: Ambry Variant Classification Scheme 2023. Collection method: clinical testing. Allele origin: germline.
Comment: The c.76+5G>T intronic alteration consists of a G to T substitution 5 nucleotides after exon 1 of the JAM3 gene. Based on insufficient or conflicting evidence, the clinical significance of this alteration remains unclear.

NM_032801.5(JAM3):c.76+5G>T

Gene: JAM3 (junctional adhesion molecule 3; plus strand). Cytogenetic location: 11q25.
Variant type: single nucleotide variant.
Coding change: c.76+5G>T on transcript NM_032801.5 (MANE Select); 5 bases into the intron after coding-DNA position 76, G replaced by T.
Molecular consequence: intron variant.
Genome position (GRCh38, 1-based): chr11:134,069,164, G>T. VCF-style: chr11-134069164-G-T. GRCh37 (hg19) VCF-style: chr11-133939059-G-T.
Other names: c.76+5G>T (NM_001205329.2).
Identifiers: ClinVar variation 2271906 (VCV002271906.2), dbSNP rs372666041, ClinGen allele CA6369882.
Genomic context (GRCh38, chr11:134,069,164, plus strand): 5'-GCGACTCCGGCTCTGCGCTCGGCTGCCTGACTTCTTCCTGCTGCTGCTTTTCAGGGGTGA[G>T]TTTGCGCGTTTCCGCTGTTGGGAGACTAGGGTCTGGGGGCGACGGAAGCAGAGCGGGCCG-3'